The following is an entry in ClinVar:

NM_001005373.4(LRSAM1):c.2108T>C (p.Leu703Pro)

Gene: LRSAM1 (leucine rich repeat and sterile alpha motif containing 1; plus strand). Cytogenetic location: 9q34.11.
Variant type: single nucleotide variant.
Coding change: c.2108T>C on transcript NM_001005373.4 (MANE Select); coding-DNA position 2108, T replaced by C.
Protein change: p.Leu703Pro; replaces leucine 703 with proline.
Molecular consequence: missense variant. On other transcripts: non-coding transcript variant (2).
Genome position (GRCh38, 1-based): chr9:127,502,835, T>C. VCF-style: chr9-127502835-T-C. GRCh37 (hg19) VCF-style: chr9-130265114-T-C.
Other names: c.2108T>C, p.Leu703Pro (NM_001005374.4, NM_001384142.1, NM_138361.5); c.2027T>C, p.Leu676Pro (NM_001190723.3); c.2009T>C, p.Leu670Pro (NM_001384143.1); c.1319T>C, p.Leu440Pro (NM_001384144.1); short protein forms L676P, L703P, L440P, L670P.
Identifiers: ClinVar variation 654779 (VCV000654779.44), dbSNP rs1588144691, ClinGen allele CA374939462.
Genomic context (GRCh38, chr9:127,502,835, plus strand): 5'-CCCAGATGATCTTCCTCAACTGTGGCCACGTCTGCTGCTGCCAGCAGTGCTGCCAGCCAC[T>C]GCGCACCTGCCCGCTGTGCCGCCAGGACATCGCCCAGCGCCTCCGCATCTACCACAGCAG-3'
Protein context (NP_001005373.1, residues 693-713): VCCCQQCCQP[Leu703Pro]RTCPLCRQDI

ClinVar aggregate classification (germline): Uncertain significance. Review status: criteria provided, multiple submitters, no conflicts (2 of 4 stars). 3 submissions from 3 submitters: Uncertain significance (2). 1 of the submissions does not count toward it. Last evaluated 2022-02-18.

Conditions:
Charcot-Marie-Tooth disease axonal type 2P. Also called: CHARCOT-MARIE-TOOTH NEUROPATHY, TYPE 2P; Charcot-Marie-Tooth Neuropathy Type 2G; CHARCOT-MARIE-TOOTH DISEASE, AXONAL, TYPE 2G; CMT 2G. Identifiers: Orphanet 300319, Orphanet 99941, MedGen C3280797, MONDO:0013753, OMIM 614436.
Charcot-Marie-Tooth disease. Also called: Charcot-Marie-Tooth Hereditary Neuropathy; Charcot-Marie-Tooth Neuropathy. Identifiers: Orphanet 166, MedGen C0007959, MONDO:0015626.

Submissions (3):

Labcorp Genetics (formerly Invitae), Labcorp
Classification: Uncertain significance for Charcot-Marie-Tooth disease axonal type 2P. Last evaluated: 2022-02-18. Review status: criteria provided, single submitter. Criteria: Invitae Variant Classification Sherloc (09022015). Collection method: clinical testing. Allele origin: germline.
Comment: This variant is not present in population databases (gnomAD no frequency). This sequence change replaces leucine, which is neutral and non-polar, with proline, which is neutral and non-polar, at codon 703 of the LRSAM1 protein (p.Leu703Pro). This variant has not been reported in the literature in individuals affected with LRSAM1-related conditions. In summary, the available evidence is currently insufficient to determine the role of this variant in disease. Therefore, it has been classified as a Variant of Uncertain Significance. Algorithms developed to predict the effect of missense changes on protein structure and function (SIFT, PolyPhen-2, Align-GVGD) all suggest that this variant is likely to be disruptive. ClinVar contains an entry for this variant (Variation ID: 654779).

CeGaT Center for Human Genetics Tuebingen
Classification: Uncertain significance. Last evaluated: 2021-04-01. Review status: criteria provided, single submitter. Criteria: CeGaT Center For Human Genetics Tuebingen Variant Classification Criteria Version 2. Collection method: clinical testing. Allele origin: germline. Affected: yes. Observed: 1 variant allele.

Inherited Neuropathy Consortium
Classification: Uncertain significance for Charcot-Marie-Tooth disease. Review status: no assertion criteria provided. Collection method: provider interpretation. Allele origin: inherited. Affected: yes. Not counted in ClinVar's aggregate classification.